The following is an entry in ClinVar:

NM_000283.4(PDE6B):c.674T>G (p.Leu225Arg)

Gene: PDE6B (phosphodiesterase 6B; plus strand). Cytogenetic location: 4p16.3.
Variant type: single nucleotide variant.
Coding change: c.674T>G on transcript NM_000283.4 (MANE Select); coding-DNA position 674, T replaced by G.
Protein change: p.Leu225Arg; replaces leucine 225 with arginine.
Molecular consequence: missense variant.
Genome position (GRCh38, 1-based): chr4:635,932, T>G. VCF-style: chr4-635932-T-G. GRCh37 (hg19) VCF-style: chr4-629721-T-G.
Other names: c.674T>G, p.Leu225Arg (NM_001145291.2); short protein forms L225R.
Identifiers: ClinVar variation 3609327 (VCV003609327.2).

ClinVar aggregate classification (germline): Uncertain significance (1 of 4 stars; one submission).

Submission:

Labcorp Genetics (formerly Invitae), Labcorp
Classification: Uncertain significance. Last evaluated: 2024-02-22. Review status: criteria provided, single submitter. Criteria: Invitae Variant Classification Sherloc (09022015). Collection method: clinical testing. Allele origin: germline.
Comment: This sequence change replaces leucine, which is neutral and non-polar, with arginine, which is basic and polar, at codon 225 of the PDE6B protein (p.Leu225Arg). This variant is not present in population databases (gnomAD no frequency). This variant has not been reported in the literature in individuals affected with PDE6B-related conditions. Advanced modeling of protein sequence and biophysical properties (such as structural, functional, and spatial information, amino acid conservation, physicochemical variation, residue mobility, and thermodynamic stability) has been performed at Invitae for this missense variant, however the output from this modeling did not meet the statistical confidence thresholds required to predict the impact of this variant on PDE6B protein function. In summary, the available evidence is currently insufficient to determine the role of this variant in disease. Therefore, it has been classified as a Variant of Uncertain Significance.